The following is an entry in ClinVar:

ClinVar aggregate classification (germline): Uncertain significance (1 of 4 stars; one submission).

Allele frequency attached by ClinVar (database versions not stated): ExAC 0.00004; TOPMed below 0.00001; gnomAD exomes 0.00001.
gnomAD v4.1: 10 of 1,614,098 alleles (0.00062%); highest among the groups gnomAD compares: Non-Finnish European, 0.00085%; no homozygotes.

Submission:

Labcorp Genetics (formerly Invitae), Labcorp
Classification: Uncertain significance. Last evaluated: 2025-11-25. Review status: criteria provided, single submitter. Criteria: Invitae Variant Classification Sherloc (09022015). Collection method: clinical testing. Allele origin: germline.
Comment: This sequence change replaces asparagine, which is neutral and polar, with threonine, which is neutral and polar, at codon 102 of the HK1 protein (p.Asn102Thr). This variant is present in population databases (rs753645845, gnomAD 0.004%). This variant has not been reported in the literature in individuals affected with HK1-related conditions. ClinVar contains an entry for this variant (Variation ID: 2045670). Invitae Evidence Modeling of protein sequence and biophysical properties (such as structural, functional, and spatial information, amino acid conservation, physicochemical variation, residue mobility, and thermodynamic stability) indicates that this missense variant is not expected to disrupt HK1 protein function with a negative predictive value of 80%. In summary, the available evidence is currently insufficient to determine the role of this variant in disease. Therefore, it has been classified as a Variant of Uncertain Significance.

NM_000188.3(HK1):c.305A>C (p.Asn102Thr)

Gene: HK1 (hexokinase 1; plus strand). Cytogenetic location: 10q22.1.
Variant type: single nucleotide variant.
Coding change: c.305A>C on transcript NM_000188.3 (MANE Select); coding-DNA position 305, A replaced by C.
Protein change: p.Asn102Thr; replaces asparagine 102 with threonine.
Molecular consequence: missense variant.
Genome position (GRCh38, 1-based): chr10:69,359,975, A>C. VCF-style: chr10-69359975-A-C. GRCh37 (hg19) VCF-style: chr10-71119731-A-C.
Other names: c.317A>C, p.Asn106Thr (NM_001322364.2, NM_001358263.1, NM_033497.3 and 1 more transcripts); c.410A>C, p.Asn137Thr (NM_001322365.2); c.221A>C, p.Asn74Thr (NM_001322366.1); c.305A>C, p.Asn102Thr (NM_001322367.1); c.302A>C, p.Asn101Thr (NM_033496.3); c.269A>C, p.Asn90Thr (NM_033500.2); short protein forms N106T, N137T, N74T, N90T, N101T, N102T.
Identifiers: ClinVar variation 2045670 (VCV002045670.4), dbSNP rs753645845, ClinGen allele CA5532273.